The following is an entry in ClinVar:

ClinVar aggregate classification (germline): Uncertain significance. Review status: criteria provided, multiple submitters, no conflicts (2 of 4 stars). 2 submissions from 2 submitters: Uncertain significance (2). Last evaluated 2023-12-19.

Conditions:
Neurodevelopmental disorder with or without seizures and gait abnormalities. Identifiers: MedGen C4693391, MONDO:0060641, OMIM 617864.
Inborn genetic diseases. Identifiers: MedGen C0950123, MeSH D030342.

Allele frequency attached by ClinVar (database versions not stated): ExAC 0.00001; gnomAD 0.00003; TOPMed 0.00006; 1000 Genomes Project 0.00020; 1000 Genomes Project 30x 0.00031.

Submissions (2):

Ambry Genetics
Classification: Uncertain significance for Inborn genetic diseases. Last evaluated: 2023-12-19. Review status: criteria provided, single submitter. Criteria: Ambry Variant Classification Scheme 2023. Collection method: clinical testing. Allele origin: germline.

Juno Genomics, Hangzhou Juno Genomics, Inc
Classification: Uncertain significance for Neurodevelopmental disorder with or without seizures and gait abnormalities. Review status: criteria provided, single submitter. Criteria: ACMG Guidelines, 2015. Collection method: clinical testing. Allele origin: germline.
Comment: Missense variant in a gene that has a low rate of benign missense variation.;Multiple lines of computational evidence support a deleterious effect on the gene or gene product.;Absent from controls (or at extremely low frequency if recessive) in Genome Aggregation Database.

NM_000829.4(GRIA4):c.1045C>T (p.Leu349Phe)

Gene: GRIA4 (glutamate ionotropic receptor AMPA type subunit 4; plus strand). Cytogenetic location: 11q22.3.
Variant type: single nucleotide variant.
Coding change: c.1045C>T on transcript NM_000829.4 (MANE Select); coding-DNA position 1045, C replaced by T.
Protein change: p.Leu349Phe; replaces leucine 349 with phenylalanine.
Molecular consequence: missense variant. On other transcripts: non-coding transcript variant (1).
Genome position (GRCh38, 1-based): chr11:105,903,973, C>T. VCF-style: chr11-105903973-C-T. GRCh37 (hg19) VCF-style: chr11-105774699-C-T.
Other names: c.1045C>T, p.Leu349Phe (NM_001077243.3, NM_001077244.2, NM_001112812.2); short protein forms L349F.
Identifiers: ClinVar variation 3102321 (VCV003102321.3), dbSNP rs182706778, ClinGen allele CA6258546.